The following is an entry in ClinVar:

ClinVar aggregate classification (germline): Likely benign (0 of 4 stars; one submission).

Conditions:
PKD1L1-related disorder. Also called: PKD1L1-related condition.

Submission:

PreventionGenetics, part of Exact Sciences
Classification: Likely benign for PKD1L1-related condition. Last evaluated: 2023-06-16. Review status: no assertion criteria provided. Collection method: clinical testing. Allele origin: germline.
Comment: This variant is classified as likely benign based on ACMG/AMP sequence variant interpretation guidelines (Richards et al. 2015 PMID: 25741868, with internal and published modifications).

NM_138295.5(PKD1L1):c.4395G>C (p.Gly1465=)

Gene: PKD1L1 (polycystin 1 like 1, transient receptor potential channel interacting; minus strand). Cytogenetic location: 7p12.3.
Variant type: single nucleotide variant.
Coding change: c.4395G>C on transcript NM_138295.5 (MANE Select); coding-DNA position 4395, G replaced by C.
Protein change: p.Gly1465=; no amino-acid change (glycine 1465 retained).
Molecular consequence: synonymous variant.
Genome position (GRCh38, 1-based): chr7:47,857,800, C>G on the plus strand (G>C on the coding strand, the complement: PKD1L1 is on the minus strand). VCF-style: chr7-47857800-C-G. GRCh37 (hg19) VCF-style: chr7-47897398-C-G.
Identifiers: ClinVar variation 3047300 (VCV003047300.2), dbSNP rs2484005132, ClinGen allele CA455155651.